The following is an entry in ClinVar:

ClinVar aggregate classification (germline): Uncertain significance (1 of 4 stars; one submission).

Conditions:
Cardiovascular phenotype. Identifiers: MedGen CN230736.

Submission:

Ambry Genetics
Classification: Uncertain significance for Cardiovascular phenotype. Last evaluated: 2021-11-29. Review status: criteria provided, single submitter. Criteria: Ambry Variant Classification Scheme 2023. Collection method: clinical testing. Allele origin: germline.
Comment: The p.S31F variant (also known as c.92C>T), located in coding exon 1 of the SHOC2 gene, results from a C to T substitution at nucleotide position 92. The serine at codon 31 is replaced by phenylalanine, an amino acid with highly dissimilar properties. This amino acid position is conserved. In addition, the in silico prediction for this alteration is inconclusive. Since supporting evidence is limited at this time, the clinical significance of this alteration remains unclear.

NM_007373.4(SHOC2):c.92C>T (p.Ser31Phe)

Gene: SHOC2 (SHOC2 leucine rich repeat scaffold protein; plus strand). Cytogenetic location: 10q25.2.
Variant type: single nucleotide variant.
Coding change: c.92C>T on transcript NM_007373.4 (MANE Select); coding-DNA position 92, C replaced by T.
Protein change: p.Ser31Phe; replaces serine 31 with phenylalanine.
Molecular consequence: missense variant.
Genome position (GRCh38, 1-based): chr10:110,964,450, C>T. VCF-style: chr10-110964450-C-T. GRCh37 (hg19) VCF-style: chr10-112724208-C-T.
Other names: c.92C>T, p.Ser31Phe (NM_001269039.3, NM_001324336.2, NM_001324337.2); short protein forms S31F.
Identifiers: ClinVar variation 1766489 (VCV001766489.2), dbSNP rs758965011, ClinGen allele CA378381239.